The following is an entry in ClinVar:

ClinVar aggregate classification (germline): Likely benign (1 of 4 stars; one submission).

Allele frequency attached by ClinVar (database versions not stated): TOPMed below 0.00001; ExAC 0.00001; gnomAD 0.00001.
gnomAD v4.1: 13 of 1,613,958 alleles (0.00081%); highest among the groups gnomAD compares: Middle Eastern, 0.016%; no homozygotes.

Submission:

CeGaT Center for Human Genetics Tuebingen
Classification: Likely benign. Last evaluated: 2023-08-01. Review status: criteria provided, single submitter. Criteria: CeGaT Center For Human Genetics Tuebingen Variant Classification Criteria Version 2. Collection method: clinical testing. Allele origin: germline. Affected: yes. Observed: 1 variant allele.
Comment: SLC5A6: BP4, BP7

NM_021095.4(SLC5A6):c.783C>T (p.Phe261=)

Gene: SLC5A6 (solute carrier family 5 member 6; minus strand). Cytogenetic location: 2p23.3.
Variant type: single nucleotide variant.
Coding change: c.783C>T on transcript NM_021095.4 (MANE Select); coding-DNA position 783, C replaced by T.
Protein change: p.Phe261=; no amino-acid change (phenylalanine 261 retained).
Molecular consequence: synonymous variant. On other transcripts: non-coding transcript variant (1).
Genome position (GRCh38, 1-based): chr2:27,204,883, G>A on the plus strand (C>T on the coding strand, the complement: SLC5A6 is on the minus strand). VCF-style: chr2-27204883-G-A. GRCh37 (hg19) VCF-style: chr2-27427751-G-A.
Identifiers: ClinVar variation 2650763 (VCV002650763.24), dbSNP rs763248415, ClinGen allele CA1571689.